The following is an entry in ClinVar:

NM_031935.3(HMCN1):c.8750A>T (p.Asp2917Val)

Gene: HMCN1 (hemicentin 1; plus strand). Cytogenetic location: 1q31.1.
Variant type: single nucleotide variant.
Coding change: c.8750A>T on transcript NM_031935.3 (MANE Select); coding-DNA position 8750, A replaced by T.
Protein change: p.Asp2917Val; replaces aspartic acid 2917 with valine.
Molecular consequence: missense variant.
Genome position (GRCh38, 1-based): chr1:186,081,357, A>T. VCF-style: chr1-186081357-A-T. GRCh37 (hg19) VCF-style: chr1-186050489-A-T.
Other names: short protein forms D2917V.
Identifiers: ClinVar variation 3525901 (VCV003525901.2).
Genomic context (GRCh38, chr1:186,081,357, plus strand): 5'-GTGGCAGCCCAGCACCAAGGAATTCCTGGCAGAAAGATGGACAGCCCTTGCTAGAAGATG[A>T]CCATCATAAATTTCTATCTAATGGACGAATTCTGCAGGTAAAAGTAAAGAAAGATCTAAT-3'
Protein context (NP_114141.2, residues 2907-2927): QKDGQPLLED[Asp2917Val]HHKFLSNGRI

ClinVar aggregate classification (germline): Uncertain significance. Review status: criteria provided, multiple submitters, no conflicts (2 of 4 stars). 2 submissions from 2 submitters: Uncertain significance (2). Last evaluated 2025-05-13.

gnomAD v4.1: 1 of 1,613,636 alleles (0.000062%); no homozygotes.

Submissions (2):

Labcorp Genetics (formerly Invitae), Labcorp
Classification: Uncertain significance. Last evaluated: 2025-05-13. Review status: criteria provided, single submitter. Criteria: Invitae Variant Classification Sherloc (09022015). Collection method: clinical testing. Allele origin: germline.
Comment: This sequence change replaces aspartic acid, which is acidic and polar, with valine, which is neutral and non-polar, at codon 2917 of the HMCN1 protein (p.Asp2917Val). This variant is not present in population databases (gnomAD no frequency). This variant has not been reported in the literature in individuals affected with HMCN1-related conditions. ClinVar contains an entry for this variant (Variation ID: 3525901). An algorithm developed to predict the effect of missense changes on protein structure and function (PolyPhen-2) suggests that this variant is likely to be tolerated. In summary, the available evidence is currently insufficient to determine the role of this variant in disease. Therefore, it has been classified as a Variant of Uncertain Significance.

Ambry Genetics
Classification: Uncertain significance. Last evaluated: 2024-09-08. Review status: criteria provided, single submitter. Criteria: Ambry Variant Classification Scheme 2023. Collection method: clinical testing. Allele origin: germline.